The following is an entry in ClinVar:

NM_004517.4(ILK):c.1180G>A (p.Asp394Asn)

Genes: ILK (integrin linked kinase; plus strand), TAF10 (TATA-box binding protein associated factor 10; minus strand). Cytogenetic location: 11p15.4.
Variant type: single nucleotide variant.
Coding change: c.1180G>A on transcript NM_004517.4 (MANE Select); coding-DNA position 1180, G replaced by A.
Protein change: p.Asp394Asn; replaces aspartic acid 394 with asparagine.
Molecular consequence: missense variant. On other transcripts: 3 prime UTR variant (1).
Genome position (GRCh38, 1-based): chr11:6,610,249, G>A. VCF-style: chr11-6610249-G-A. GRCh37 (hg19) VCF-style: chr11-6631480-G-A.
Other names: c.1180G>A, p.Asp394Asn (NM_001014794.3, NM_001014795.3); c.997G>A, p.Asp333Asn (NM_001278441.2); c.778G>A, p.Asp260Asn (NM_001278442.2); c.*673C>T (NM_006284.4); short protein forms D394N, D333N, D260N.
Identifiers: ClinVar variation 180373 (VCV000180373.5), dbSNP rs730880112, ClinGen allele CA346365.

ClinVar aggregate classification (germline): Uncertain significance. Review status: criteria provided, multiple submitters, no conflicts (2 of 4 stars). 3 submissions from 3 submitters: Uncertain significance (3). Last evaluated 2025-08-20.

Conditions:
Primary familial hypertrophic cardiomyopathy (HCM). Identifiers: Orphanet 99739, MedGen C0949658, MeSH D024741, MONDO:0024573. Inheritance: Various modes of inheritance.

Allele frequency attached by ClinVar (database versions not stated): gnomAD exomes below 0.00001; gnomAD 0.00002; TOPMed 0.00002.
gnomAD v4.1: 7 of 1,614,112 alleles (0.00043%); highest among the groups gnomAD compares: Admixed American, 0.0033%; no homozygotes.

Submissions (3):

Ambry Genetics
Classification: Uncertain significance. Last evaluated: 2025-08-20. Review status: criteria provided, single submitter. Criteria: Ambry Variant Classification Scheme 2023. Collection method: clinical testing. Allele origin: germline.
Comment: The p.D394N variant (also known as c.1180G>A), located in coding exon 11 of the ILK gene, results from a G to A substitution at nucleotide position 1180. The aspartic acid at codon 394 is replaced by asparagine, an amino acid with highly similar properties. This amino acid position is conserved. In addition, the in silico prediction for this alteration is inconclusive. Based on the available evidence, the clinical significance of this variant remains unclear.

Labcorp Genetics (formerly Invitae), Labcorp
Classification: Uncertain significance for Primary familial hypertrophic cardiomyopathy. Last evaluated: 2024-08-21. Review status: criteria provided, single submitter. Criteria: Invitae Variant Classification Sherloc (09022015). Collection method: clinical testing. Allele origin: germline.
Comment: This sequence change replaces aspartic acid, which is acidic and polar, with asparagine, which is neutral and polar, at codon 394 of the ILK protein (p.Asp394Asn). This variant is present in population databases (rs730880112, gnomAD 0.0009%). This variant has not been reported in the literature in individuals affected with ILK-related conditions. ClinVar contains an entry for this variant (Variation ID: 180373). An algorithm developed to predict the effect of missense changes on protein structure and function (PolyPhen-2) suggests that this variant is likely to be disruptive. In summary, the available evidence is currently insufficient to determine the role of this variant in disease. Therefore, it has been classified as a Variant of Uncertain Significance.

Blueprint Genetics
Classification: Uncertain significance. Last evaluated: 2022-06-03. Review status: criteria provided, single submitter. Criteria: ACMG Guidelines, 2015. Collection method: clinical testing. Allele origin: germline.